The following is an entry in ClinVar:

NM_001351132.2(PEX5):c.358C>T (p.Gln120Ter)

Gene: PEX5 (peroxisomal biogenesis factor 5; plus strand). Cytogenetic location: 12p13.31.
Variant type: single nucleotide variant.
Coding change: c.358C>T on transcript NM_001351132.2 (MANE Select); coding-DNA position 358, C replaced by T.
Protein change: p.Gln120Ter; replaces glutamine 120 with a stop codon.
Molecular consequence: nonsense.
Genome position (GRCh38, 1-based): chr12:7,191,610, C>T. VCF-style: chr12-7191610-C-T. GRCh37 (hg19) VCF-style: chr12-7344206-C-T.
Other names: c.358C>T, p.Gln120Ter (NM_000319.5, NM_001131024.2, NM_001131025.2 and 19 more transcripts); c.403C>T, p.Gln135Ter (NM_001131023.2, NM_001351135.3, NM_001351138.2); short protein forms Q120*, Q135*.
Identifiers: ClinVar variation 939195 (VCV000939195.10), dbSNP rs1941140792, ClinGen allele CA383712208.

ClinVar aggregate classification (germline): Pathogenic/Likely pathogenic. Review status: criteria provided, multiple submitters, no conflicts (2 of 4 stars). 2 submissions from 2 submitters: Pathogenic (1); Likely pathogenic (1). Last evaluated 2020-02-13.

Conditions:
Peroxisome biogenesis disorder 2B (PBD2B). Identifiers: Orphanet 44, MedGen C3550234, MONDO:0008736, OMIM 202370.
PEX5-related disorder. Also called: PEX5-related condition; PEX5-Related Disorders.

Submissions (2):

Blueprint Genetics
Classification: Likely pathogenic for PEX5-related disorders. Last evaluated: 2020-02-13. Review status: criteria provided, single submitter. Criteria: ACMG Guidelines, 2015. Collection method: clinical testing. Allele origin: germline. Affected: yes. Observed: 1 variant allele.

Labcorp Genetics (formerly Invitae), Labcorp
Classification: Pathogenic for Peroxisome biogenesis disorder 2B. Last evaluated: 2019-09-04. Review status: criteria provided, single submitter. Criteria: Invitae Variant Classification Sherloc (09022015). Collection method: clinical testing. Allele origin: germline.
Comment: Loss-of-function variants in PEX5 are known to be pathogenic (PMID: 18712838, 21031596, 26220973). This variant has not been reported in the literature in individuals with PEX5-related conditions. This variant is not present in population databases (ExAC no frequency). This sequence change creates a premature translational stop signal (p.Gln120*) in the PEX5 gene. It is expected to result in an absent or disrupted protein product. For these reasons, this variant has been classified as Pathogenic.

Literature cited by the submitters: PubMed 18712838 (cited by Labcorp Genetics (formerly Invitae), Labcorp); PubMed 21031596 (cited by Labcorp Genetics (formerly Invitae), Labcorp); PubMed 26220973 (cited by Labcorp Genetics (formerly Invitae), Labcorp).